The following is an entry in ClinVar:

ClinVar aggregate classification (germline): Conflicting classifications of pathogenicity. Review status: criteria provided, conflicting classifications (1 of 4 stars). 7 submissions from 6 submitters: Uncertain significance (2); Benign (1); Likely benign (4). Last evaluated 2025-08-31.

Conditions:
WFS1-Related Spectrum Disorders.
Autosomal dominant nonsyndromic hearing loss 6 (LFSNHL). Also called: Autosomal dominant nonsyndromic deafness 6; DEAFNESS, AUTOSOMAL DOMINANT 14; DEAFNESS, AUTOSOMAL DOMINANT 38; DEAFNESS, AUTOSOMAL DOMINANT 6. Identifiers: Orphanet 90635, MedGen C1833021, MONDO:0010963, OMIM 600965.
Wolfram syndrome 1 (WFS1). Identifiers: Orphanet 3463, MedGen C4551693, MONDO:0009101, OMIM 222300.

Allele frequency attached by ClinVar (database versions not stated): gnomAD exomes 0.00008; ExAC 0.00011; 1000 Genomes Project 30x 0.00016; 1000 Genomes Project 0.00020; gnomAD 0.00028 and 0.00030; TOPMed 0.00031; ESP Exome Variant Server 0.00077.
gnomAD v4.1: 143 of 1,607,574 alleles (0.0089%); highest among the groups gnomAD compares: African/African-American, 0.073%; no homozygotes.

Submissions (7):

Labcorp Genetics (formerly Invitae), Labcorp
Classification: Likely benign. Last evaluated: 2025-08-31. Review status: criteria provided, single submitter. Criteria: Invitae Variant Classification Sherloc (09022015). Collection method: clinical testing. Allele origin: germline.

Blueprint Genetics
Classification: Likely benign. Last evaluated: 2022-11-14. Review status: criteria provided, single submitter. Criteria: ACMG Guidelines, 2015. Collection method: clinical testing. Allele origin: germline.

CeGaT Center for Human Genetics Tuebingen
Classification: Likely benign. Last evaluated: 2019-07-01. Review status: criteria provided, single submitter. Criteria: CeGaT Center For Human Genetics Tuebingen Variant Classification Criteria Version 2. Collection method: clinical testing. Allele origin: germline. Affected: yes. Observed: 1 variant allele.

GeneDx
Classification: Likely benign. Last evaluated: 2018-05-08. Review status: criteria provided, single submitter. Criteria: GeneDx Variant Classification (06012015). Collection method: clinical testing. Allele origin: germline. Affected: yes.
Comment: This variant is considered likely benign or benign based on one or more of the following criteria: it is a conservative change, it occurs at a poorly conserved position in the protein, it is predicted to be benign by multiple in silico algorithms, and/or has population frequency not consistent with disease.

Illumina Laboratory Services, Illumina
Classification: Uncertain significance for WFS1-Related Spectrum Disorders. Last evaluated: 2018-01-13. Review status: criteria provided, single submitter. Criteria: ICSL Variant Classification Criteria 13 December 2019. Collection method: clinical testing. Allele origin: germline.

Illumina Laboratory Services, Illumina
Classification: Uncertain significance for Autosomal dominant nonsyndromic hearing loss 6. Last evaluated: 2018-01-13. Review status: criteria provided, single submitter. Criteria: ICSL Variant Classification Criteria 13 December 2019. Collection method: clinical testing. Allele origin: germline.

Clinical Genomics, Uppaluri K&H Personalized Medicine Clinic
Classification: Benign for Wolfram syndrome 1. Review status: criteria provided, single submitter. Criteria: K & H Uppaluri Personalized Medicine Clinic Variant Classification & Assertion Criteria_Updated V.1. Collection method: research. Allele origin: unknown. Inheritance: Autosomal recessive inheritance.
Comment: Potent mutations in WFS1 gene are associated with Wolfram's syndrome, an autosomal recessive condition, which cause diabetes mellitus, diabetes insipidus, deafness and optic atrophy. However no sufficient evidence is found to ascertain the role of this particular variant rs142630687 in Wolfram's syndrome yet.

Literature cited by the submitters: PubMed 20738327 (cited by Clinical Genomics, Uppaluri K&H Personalized Medicine Clinic); PubMed 33879153 (cited by Clinical Genomics, Uppaluri K&H Personalized Medicine Clinic); PubMed 12955714 (cited by Clinical Genomics, Uppaluri K&H Personalized Medicine Clinic); PubMed 18060660 (cited by Clinical Genomics, Uppaluri K&H Personalized Medicine Clinic); PubMed 20301750 (cited by Clinical Genomics, Uppaluri K&H Personalized Medicine Clinic); PubMed 17603484 (cited by Clinical Genomics, Uppaluri K&H Personalized Medicine Clinic).

NM_006005.3(WFS1):c.2436C>T (p.Ser812=)

Gene: WFS1 (wolframin ER transmembrane glycoprotein; plus strand). Cytogenetic location: 4p16.1.
Variant type: single nucleotide variant.
Coding change: c.2436C>T on transcript NM_006005.3 (MANE Select); coding-DNA position 2436, C replaced by T.
Protein change: p.Ser812=; no amino-acid change (serine 812 retained).
Molecular consequence: synonymous variant.
Genome position (GRCh38, 1-based): chr4:6,302,231, C>T. VCF-style: chr4-6302231-C-T. GRCh37 (hg19) VCF-style: chr4-6303958-C-T.
Other names: c.2436C>T, p.Ser812= (NM_001145853.1).
Identifiers: ClinVar variation 349327 (VCV000349327.56), dbSNP rs142630687, ClinGen allele CA2839736.